The following is an entry in ClinVar:

NM_145199.3(LIPT1):c.1107T>A (p.Ile369=)

Genes: MITD1 (microtubule interacting and trafficking domain containing 1; minus strand), LIPT1 (lipoyltransferase 1; plus strand). Cytogenetic location: 2q11.2.
Variant type: single nucleotide variant.
Coding change: c.1107T>A on transcript NM_145199.3 (MANE Select); coding-DNA position 1107, T replaced by A.
Protein change: p.Ile369=; no amino-acid change (isoleucine 369 retained).
Molecular consequence: synonymous variant. On other transcripts: non-coding transcript variant (2).
Genome position (GRCh38, 1-based): chr2:99,163,064, T>A. VCF-style: chr2-99163064-T-A. GRCh37 (hg19) VCF-style: chr2-99779527-T-A.
Other names: c.1107T>A, p.Ile369= (NM_001204830.2, NM_015929.4, NM_145197.3 and 1 more transcripts).
Identifiers: ClinVar variation 507157 (VCV000507157.15), dbSNP rs147171605, ClinGen allele CA1797437.

ClinVar aggregate classification (germline): Likely benign. Review status: criteria provided, multiple submitters, no conflicts (2 of 4 stars). 3 submissions from 3 submitters: Likely benign (2). 1 of the submissions does not count toward it. Last evaluated 2023-10-06.

Conditions:
LIPT1-related disorder. Also called: LIPT1-related condition.

Allele frequency attached by ClinVar (database versions not stated): gnomAD exomes 0.00003 and 0.00009; ExAC 0.00012; gnomAD 0.00013 and 0.00014; TOPMed 0.00022; ESP Exome Variant Server 0.00049; 1000 Genomes Project 0.00060; 1000 Genomes Project 30x 0.00094.
gnomAD v4.1: 58 of 1,553,570 alleles (0.0037%); highest among the groups gnomAD compares: African/African-American, 0.073%; no homozygotes.

Submissions (3):

Labcorp Genetics (formerly Invitae), Labcorp
Classification: Likely benign. Last evaluated: 2023-10-06. Review status: criteria provided, single submitter. Criteria: Invitae Variant Classification Sherloc (09022015). Collection method: clinical testing. Allele origin: germline.

GeneDx
Classification: Likely benign. Last evaluated: 2020-09-29. Review status: criteria provided, single submitter. Criteria: GeneDx Variant Classification Process June 2021. Collection method: clinical testing. Allele origin: germline. Affected: yes.

PreventionGenetics, part of Exact Sciences
Classification: Likely benign for LIPT1-related condition. Last evaluated: 2022-03-17. Review status: no assertion criteria provided. Collection method: clinical testing. Allele origin: germline. Not counted in ClinVar's aggregate classification.
Comment: This variant is classified as likely benign based on ACMG/AMP sequence variant interpretation guidelines (Richards et al. 2015 PMID: 25741868, with internal and published modifications).